The following is an entry in ClinVar:

ClinVar aggregate classification (germline): Likely pathogenic (1 of 4 stars; one submission).

Submission:

GeneDx
Classification: Likely pathogenic. Last evaluated: 2024-08-16. Review status: criteria provided, single submitter. Criteria: GeneDx Variant Classification Process June 2021. Collection method: clinical testing. Allele origin: germline. Affected: yes.
Comment: Not observed at significant frequency in large population cohorts (gnomAD); Missense variants in this gene are a common cause of disease and they are underrepresented in the general population; In silico analysis supports that this missense variant has a deleterious effect on protein structure/function; Has not been previously published as pathogenic or benign to our knowledge; This variant is associated with the following publications: (PMID: 29493581, 27535533, 24077912)

NM_002880.4(RAF1):c.453C>G (p.Phe151Leu)

Gene: RAF1 (Raf-1 proto-oncogene, serine/threonine kinase; minus strand). Cytogenetic location: 3p25.2.
Variant type: single nucleotide variant.
Coding change: c.453C>G on transcript NM_002880.4 (MANE Select); coding-DNA position 453, C replaced by G.
Protein change: p.Phe151Leu; replaces phenylalanine 151 with leucine.
Molecular consequence: missense variant. On other transcripts: non-coding transcript variant (3).
Genome position (GRCh38, 1-based): chr3:12,608,894, G>C on the plus strand (C>G on the coding strand, the complement: RAF1 is on the minus strand). VCF-style: chr3-12608894-G-C. GRCh37 (hg19) VCF-style: chr3-12650393-G-C.
Other names: c.453C>G, p.Phe151Leu (NM_001354689.3, NM_001354690.3, NM_001354693.3); c.210C>G, p.Phe70Leu (NM_001354691.3, NM_001354692.3, NM_001354694.3 and 1 more transcripts); short protein forms F70L, F151L.
Identifiers: ClinVar variation 3730878 (VCV003730878.1).
Genomic context (GRCh38, chr3:12,608,894, plus strand): 5'-TTTGTAGCCACAAGTCTGACATCGAAATCCATTGAGCAGGAATTTCTGACAGATGTCACA[G>C]AAGGCAAGCTTCAGGAACGTCTTCCGAGCCTACAACAAGAACACAGGTGTAAATTATGCT-3'
Protein context (NP_002871.1, residues 141-161): FARKTFLKLA[Phe151Leu]CDICQKFLLN